The following is an entry in ClinVar:

NM_178138.6(LHX3):c.1115C>T (p.Thr372Met)

Gene: LHX3 (LIM homeobox 3; minus strand). Cytogenetic location: 9q34.3.
Variant type: single nucleotide variant.
Coding change: c.1115C>T on transcript NM_178138.6 (MANE Select); coding-DNA position 1115, C replaced by T.
Protein change: p.Thr372Met; replaces threonine 372 with methionine.
Molecular consequence: missense variant.
Genome position (GRCh38, 1-based): chr9:136,197,404, G>A on the plus strand (C>T on the coding strand, the complement: LHX3 is on the minus strand). VCF-style: chr9-136197404-G-A. GRCh37 (hg19) VCF-style: chr9-139089250-G-A.
Other names: c.1082C>T, p.Thr361Met (NM_001363746.1); c.1130C>T, p.Thr377Met (NM_014564.5); short protein forms T372M, T377M, T361M.
Identifiers: ClinVar variation 2143943 (VCV002143943.1), dbSNP rs765110679, ClinGen allele CA5330257.

ClinVar aggregate classification (germline): Uncertain significance (1 of 4 stars; one submission).

Allele frequency attached by ClinVar (database versions not stated): TOPMed below 0.00001; gnomAD 0.00001; gnomAD exomes 0.00003; ExAC 0.00011.

Submission:

Labcorp Genetics (formerly Invitae), Labcorp
Classification: Uncertain significance. Last evaluated: 2022-09-01. Review status: criteria provided, single submitter. Criteria: Invitae Variant Classification Sherloc (09022015). Collection method: clinical testing. Allele origin: germline.
Comment: This sequence change replaces threonine, which is neutral and polar, with methionine, which is neutral and non-polar, at codon 377 of the LHX3 protein (p.Thr377Met). This variant is present in population databases (rs765110679, gnomAD 0.008%). This variant has not been reported in the literature in individuals affected with LHX3-related conditions. Algorithms developed to predict the effect of missense changes on protein structure and function are either unavailable or do not agree on the potential impact of this missense change (SIFT: "Not Available"; PolyPhen-2: "Probably Damaging"; Align-GVGD: "Not Available"). In summary, the available evidence is currently insufficient to determine the role of this variant in disease. Therefore, it has been classified as a Variant of Uncertain Significance.